The following is an entry in ClinVar:

NM_001164508.2(NEB):c.20018A>C (p.His6673Pro)

Gene: NEB (nebulin; minus strand). Cytogenetic location: 2q23.3.
Variant type: single nucleotide variant.
Coding change: c.20018A>C on transcript NM_001164508.2 (MANE Select); coding-DNA position 20018, A replaced by C.
Protein change: p.His6673Pro; replaces histidine 6673 with proline.
Molecular consequence: missense variant.
Genome position (GRCh38, 1-based): chr2:151,549,667, T>G on the plus strand (A>C on the coding strand, the complement: NEB is on the minus strand). VCF-style: chr2-151549667-T-G. GRCh37 (hg19) VCF-style: chr2-152406181-T-G.
Other names: c.20018A>C, p.His6673Pro (NM_001164507.2, NM_001271208.2); c.14915A>C, p.His4972Pro (NM_004543.5); c.14915A>C (NM_004543.4); short protein forms H4972P, H6673P.
Identifiers: ClinVar variation 1211626 (VCV001211626.7), dbSNP rs763237724, ClinGen allele CA1907463.

ClinVar aggregate classification (germline): Uncertain significance. Review status: criteria provided, multiple submitters, no conflicts (2 of 4 stars). 4 submissions from 4 submitters: Uncertain significance (3). 1 of the submissions does not count toward it. Last evaluated 2024-07-16.

Conditions:
Nemaline myopathy 2 (NEM2). Also called: Nemaline myopathy 2, autosomal recessive. Identifiers: MedGen C1850569, MONDO:0009725, OMIM 256030.
Inborn genetic diseases. Identifiers: MedGen C0950123, MeSH D030342.

Allele frequency attached by ClinVar (database versions not stated): gnomAD exomes below 0.00001 and 0.00003; TOPMed 0.00003.
gnomAD v4.1: 47 of 1,601,068 alleles (0.0029%); highest among the groups gnomAD compares: Non-Finnish European, 0.0036%; no homozygotes.

Submissions (4):

Ambry Genetics
Classification: Uncertain significance for Inborn genetic diseases. Last evaluated: 2024-07-16. Review status: criteria provided, single submitter. Criteria: Ambry Variant Classification Scheme 2023. Collection method: clinical testing. Allele origin: germline.

Labcorp Genetics (formerly Invitae), Labcorp
Classification: Uncertain significance for Nemaline myopathy 2. Last evaluated: 2021-10-19. Review status: criteria provided, single submitter. Criteria: Invitae Variant Classification Sherloc (09022015). Collection method: clinical testing. Allele origin: germline.
Comment: This sequence change replaces histidine, which is basic and polar, with proline, which is neutral and non-polar, at codon 6673 of the NEB protein (p.His6673Pro). The frequency data for this variant in the population databases is considered unreliable, as metrics indicate poor data quality at this position in the gnomAD database. This variant has not been reported in the literature in individuals affected with NEB-related conditions. Algorithms developed to predict the effect of missense changes on protein structure and function are either unavailable or do not agree on the potential impact of this missense change (SIFT: "Deleterious"; PolyPhen-2: "Not Available"; Align-GVGD: "Class C0"). In summary, the available evidence is currently insufficient to determine the role of this variant in disease. Therefore, it has been classified as a Variant of Uncertain Significance.

GeneDx
Classification: Uncertain significance. Last evaluated: 2020-10-26. Review status: criteria provided, single submitter. Criteria: GeneDx Variant Classification Process June 2021. Collection method: clinical testing. Allele origin: germline. Affected: yes.
Comment: Not observed at a significant frequency in large population cohorts (Lek et al., 2016); In silico analysis, which includes protein predictors and evolutionary conservation, supports a deleterious effect; Has not been previously published as pathogenic or benign to our knowledge

Natera, Inc.
Classification: Uncertain significance for Nemaline myopathy type 2. Last evaluated: 2020-06-14. Review status: no assertion criteria provided. Collection method: clinical testing. Allele origin: germline. Not counted in ClinVar's aggregate classification.